The following is an entry in ClinVar:

NM_020937.4(FANCM):c.4850A>G (p.Gln1617Arg)

Gene: FANCM (FA complementation group M; plus strand). Cytogenetic location: 14q21.2.
Variant type: single nucleotide variant.
Coding change: c.4850A>G on transcript NM_020937.4 (MANE Select); coding-DNA position 4850, A replaced by G.
Protein change: p.Gln1617Arg; replaces glutamine 1617 with arginine.
Molecular consequence: missense variant.
Genome position (GRCh38, 1-based): chr14:45,188,872, A>G. VCF-style: chr14-45188872-A-G. GRCh37 (hg19) VCF-style: chr14-45658075-A-G.
Other names: c.4772A>G, p.Gln1591Arg (NM_001308133.2); short protein forms Q1591R, Q1617R.
Identifiers: ClinVar variation 2681931 (VCV002681931.3), dbSNP rs1289123203, ClinGen allele CA389611146.

ClinVar aggregate classification (germline): Uncertain significance. Review status: criteria provided, multiple submitters, no conflicts (2 of 4 stars). 3 submissions from 3 submitters: Uncertain significance (3). Last evaluated 2024-12-21.

Conditions:
Inborn genetic diseases. Identifiers: MedGen C0950123, MeSH D030342.
Fanconi anemia (FA). Also called: Fanconi's anemia. Identifiers: Orphanet 84, MedGen C0015625, MeSH D005199, MONDO:0019391.

Allele frequency attached by ClinVar (database versions not stated): TOPMed below 0.00001.

Submissions (3):

Ambry Genetics
Classification: Uncertain significance for Inborn genetic diseases. Last evaluated: 2024-12-21. Review status: criteria provided, single submitter. Criteria: Ambry Variant Classification Scheme 2023. Collection method: clinical testing. Allele origin: germline.
Comment: The p.Q1617R variant (also known as c.4850A>G), located in coding exon 20 of the FANCM gene, results from an A to G substitution at nucleotide position 4850. The glutamine at codon 1617 is replaced by arginine, an amino acid with highly similar properties. This amino acid position is conserved. In addition, this alteration is predicted to be tolerated by in silico analysis. Based on the available evidence, the clinical significance of this variant remains unclear.

Labcorp Genetics (formerly Invitae), Labcorp
Classification: Uncertain significance for Fanconi anemia. Last evaluated: 2023-08-18. Review status: criteria provided, single submitter. Criteria: Invitae Variant Classification Sherloc (09022015). Collection method: clinical testing. Allele origin: germline.
Comment: In summary, the available evidence is currently insufficient to determine the role of this variant in disease. Therefore, it has been classified as a Variant of Uncertain Significance. An algorithm developed to predict the effect of missense changes on protein structure and function (PolyPhen-2) suggests that this variant is likely to be disruptive. This variant has not been reported in the literature in individuals affected with FANCM-related conditions. This variant is not present in population databases (gnomAD no frequency). This sequence change replaces glutamine, which is neutral and polar, with arginine, which is basic and polar, at codon 1617 of the FANCM protein (p.Gln1617Arg).

Quest Diagnostics Nichols Institute San Juan Capistrano
Classification: Uncertain significance. Last evaluated: 2022-12-24. Review status: criteria provided, single submitter. Criteria: Quest Diagnostics criteria. Collection method: clinical testing. Allele origin: unknown.
Comment: This variant has not been reported in the published literature. It also has not been reported in large, multi-ethnic general populations. Analysis of this variant using bioinformatics tools for the prediction of the effect of amino acid changes on protein structure and function yielded predictions that this variant is benign. Based on the available information, we are unable to determine the clinical significance of this variant.